The following is an entry in ClinVar:

ClinVar aggregate classification (germline): Uncertain significance. Review status: criteria provided, multiple submitters, no conflicts (2 of 4 stars). 6 submissions from 6 submitters: Uncertain significance (6). Last evaluated 2025-12-03.

Conditions:
Inborn genetic diseases. Identifiers: MedGen C0950123, MeSH D030342.

Allele frequency attached by ClinVar (database versions not stated): ExAC 0.00006; gnomAD exomes 0.00006; gnomAD 0.00014 and 0.00016; ESP Exome Variant Server 0.00015; TOPMed 0.00016.
gnomAD v4.1: 174 of 1,614,112 alleles (0.011%); highest among the groups gnomAD compares: African/African-American, 0.017%; no homozygotes.

Submissions (6):

Labcorp Genetics (formerly Invitae), Labcorp
Classification: Uncertain significance. Last evaluated: 2025-12-03. Review status: criteria provided, single submitter. Criteria: Invitae Variant Classification Sherloc (09022015). Collection method: clinical testing. Allele origin: germline.
Comment: This sequence change replaces tyrosine, which is neutral and polar, with cysteine, which is neutral and slightly polar, at codon 179 of the AFG3L2 protein (p.Tyr179Cys). This variant is present in population databases (rs368594369, gnomAD 0.02%). This variant has not been reported in the literature in individuals affected with AFG3L2-related conditions. ClinVar contains an entry for this variant (Variation ID: 586464). Invitae Evidence Modeling of protein sequence and biophysical properties (such as structural, functional, and spatial information, amino acid conservation, physicochemical variation, residue mobility, and thermodynamic stability) indicates that this missense variant is expected to disrupt AFG3L2 protein function with a positive predictive value of 80%. In summary, the available evidence is currently insufficient to determine the role of this variant in disease. Therefore, it has been classified as a Variant of Uncertain Significance.

Blueprint Genetics
Classification: Uncertain significance. Last evaluated: 2024-09-06. Review status: criteria provided, single submitter. Criteria: ACMG Guidelines, 2015. Collection method: clinical testing. Allele origin: germline.

Athena Diagnostics
Classification: Uncertain significance. Last evaluated: 2024-06-27. Review status: criteria provided, single submitter. Criteria: Athena Diagnostics Criteria. Collection method: clinical testing. Allele origin: unknown.
Comment: The frequency of this variant in the general population is uninformative in assessment of its pathogenicity. Polyphen and MutationTaster predict this amino acid change may be damaging to the protein.

Women's Health and Genetics/Laboratory Corporation of America, LabCorp
Classification: Uncertain significance. Last evaluated: 2023-10-13. Review status: criteria provided, single submitter. Criteria: LabCorp Variant Classification Summary - May 2015. Collection method: clinical testing. Allele origin: germline.
Comment: Variant summary: AFG3L2 c.536A>G (p.Tyr179Cys) results in a non-conservative amino acid change located in the Peptidase M41, FtsH extracellular (IPR011546) of the encoded protein sequence. Five of five in-silico tools predict a damaging effect of the variant on protein function. The variant allele was found at a frequency of 6e-05 in 251478 control chromosomes. To our knowledge, no occurrence of c.536A>G in individuals affected with Spinocerebellar Ataxia Type 28 and no experimental evidence demonstrating its impact on protein function have been reported. Three submitters have cited clinical-significance assessments for this variant to ClinVar after 2014 and classified as likely benign (n=1) and VUS (n=2). Based on the evidence outlined above, the variant was classified as uncertain significance.

Ambry Genetics
Classification: Uncertain significance for Inborn genetic diseases. Last evaluated: 2023-06-26. Review status: criteria provided, single submitter. Criteria: Ambry Variant Classification Scheme 2023. Collection method: clinical testing. Allele origin: germline.
Comment: Unlikely to be causative of AFG3L2-related spinocerebellar ataxia (AD) and AFG3L2-related optic atrophy (AD) Based on insufficient or conflicting evidence, the clinical significance of this alteration remains unclear.

GeneDx
Classification: Uncertain significance. Last evaluated: 2022-06-01. Review status: criteria provided, single submitter. Criteria: GeneDx Variant Classification Process June 2021. Collection method: clinical testing. Allele origin: germline. Affected: yes.
Comment: In silico analysis supports that this missense variant has a deleterious effect on protein structure/function; Has not been previously published as pathogenic or benign to our knowledge

Literature cited by the submitters: PubMed 24767997 (cited by Athena Diagnostics).

NM_006796.3(AFG3L2):c.536A>G (p.Tyr179Cys)

Gene: AFG3L2 (AFG3 like matrix AAA peptidase subunit 2; minus strand). Cytogenetic location: 18p11.21.
Variant type: single nucleotide variant.
Coding change: c.536A>G on transcript NM_006796.3 (MANE Select); coding-DNA position 536, A replaced by G.
Protein change: p.Tyr179Cys; replaces tyrosine 179 with cysteine.
Molecular consequence: missense variant.
Genome position (GRCh38, 1-based): chr18:12,366,981, T>C on the plus strand (A>G on the coding strand, the complement: AFG3L2 is on the minus strand). VCF-style: chr18-12366981-T-C. GRCh37 (hg19) VCF-style: chr18-12366980-T-C.
Other names: short protein forms Y179C.
Identifiers: ClinVar variation 586464 (VCV000586464.12), dbSNP rs368594369, ClinGen allele CA8896723.